The following is an entry in ClinVar:

NM_005026.5(PIK3CD):c.2297AGG[1] (p.Glu767del)

Gene: PIK3CD (phosphatidylinositol-4,5-bisphosphate 3-kinase catalytic subunit delta; plus strand). Cytogenetic location: 1p36.22.
Variant type: Microsatellite.
Coding change: c.2297AGG[1] on transcript NM_005026.5 (MANE Select); one copy of the 3-base unit AGG starting at c.2297; the reference has two copies in a row; one copy, 3 bases deleted; also written c.2300_2302del.
Protein change: p.Glu767del; deletes glutamic acid 767.
Molecular consequence: inframe deletion.
Genome position (GRCh38, 1-based): chr1:9,722,309-9,722,311, AGG deleted; deleting any 3 consecutive bases within chr1:9,722,305-9,722,311 gives the same sequence; the position shown is the placement nearest the transcript's 3' end. VCF-style (leftmost placement, unchanged base first): chr1-9722304-CGAG-C. GRCh37 (hg19) VCF-style: chr1-9782362-CGAG-C.
Other names: c.2300_2302del (NM_005026.5); c.2294AGG[1], p.Glu766del (NM_001350234.2); c.2210AGG[1], p.Glu738del (NM_001350235.1); short protein forms E738del, E766del, E767del.
Identifiers: ClinVar variation 3383096 (VCV003383096.2).

ClinVar aggregate classification (germline): Uncertain significance (1 of 4 stars; one submission).

Conditions:
Immunodeficiency 14 (IMD14A). Also called: ACTIVATED PI3K-DELTA SYNDROME 1; p110-DELTA-ACTIVATING MUTATION CAUSING SENESCENT T CELLS, LYMPHADENOPATHY, AND IMMUNODEFICIENCY; IMMUNODEFICIENCY 14A WITH LYMPHOPROLIFERATION, AUTOSOMAL DOMINANT; Activated PI3K Delta Syndrome Type 1 (APDS1). Identifiers: Orphanet 397596, Orphanet 693661, MedGen C5907821, MONDO:0014222, OMIM 615513.

Submission:

Juno Genomics, Hangzhou Juno Genomics, Inc
Classification: Uncertain significance for Immunodeficiency 14. Review status: criteria provided, single submitter. Criteria: ACMG Guidelines, 2015. Collection method: clinical testing. Allele origin: germline. Affected: yes.
Comment: Protein length changes due to in-frame deletions/insertions in a non-repeat region or stop-loss variants.;Absent from controls (or at extremely low frequency if recessive) in Genome Aggregation Database, Exome Sequencing Project, 1000 Genomes Project, or Exome Aggregation Consortium.;Patient's phenotype or family history is highly specific for a disease with a single genetic etiology.